The following is an entry in ClinVar:

ClinVar aggregate classification (germline): Uncertain significance (1 of 4 stars; one submission).

Conditions:
Hereditary cancer-predisposing syndrome. Also called: Tumor predisposition; Hereditary neoplastic syndrome; Hereditary Cancer Syndrome; Neoplastic Syndromes, Hereditary. Identifiers: Orphanet 140162, MedGen C0027672, MeSH D009386, MONDO:0015356.

Submission:

Ambry Genetics
Classification: Uncertain significance for Hereditary cancer-predisposing syndrome. Last evaluated: 2023-12-17. Review status: criteria provided, single submitter. Criteria: Ambry Variant Classification Scheme 2023. Collection method: clinical testing. Allele origin: germline.
Comment: The p.V530L variant (also known as c.1588G>C), located in coding exon 12 of the POLD1 gene, results from a G to C substitution at nucleotide position 1588. The valine at codon 530 is replaced by leucine, an amino acid with highly similar properties. This amino acid position is conserved. In addition, this alteration is predicted to be tolerated by in silico analysis. Since supporting evidence is limited at this time, the clinical significance of this alteration remains unclear.

NM_002691.4(POLD1):c.1588G>C (p.Val530Leu)

Gene: POLD1 (DNA polymerase delta 1, catalytic subunit; plus strand). Cytogenetic location: 19q13.33.
Variant type: single nucleotide variant.
Coding change: c.1588G>C on transcript NM_002691.4 (MANE Select); coding-DNA position 1588, G replaced by C.
Protein change: p.Val530Leu; replaces valine 530 with leucine.
Molecular consequence: missense variant. On other transcripts: non-coding transcript variant (1).
Genome position (GRCh38, 1-based): chr19:50,407,076, G>C. VCF-style: chr19-50407076-G-C. GRCh37 (hg19) VCF-style: chr19-50910333-G-C.
Other names: c.1588G>C, p.Val530Leu (NM_001256849.1, NM_001308632.1); short protein forms V530L.
Identifiers: ClinVar variation 3222700 (VCV003222700.1), dbSNP rs2514000279, ClinGen allele CA406980920.